The following is an entry in ClinVar:

ClinVar aggregate classification (germline): Likely pathogenic (0 of 4 stars; one submission).

Conditions:
Teebi hypertelorism syndrome 1. Identifiers: Orphanet 1519, MedGen CN306405, MONDO:0800025, OMIM 145420.

gnomAD v4.1: 41 of 1,613,918 alleles (0.0025%); highest among the groups gnomAD compares: South Asian, 0.013%; no homozygotes.

Submission:

Solve-RD Consortium
Classification: Likely pathogenic for Teebi hypertelorism syndrome 1. Last evaluated: 2022-06-01. Review status: no assertion criteria provided. Collection method: provider interpretation. Allele origin: de novo. Affected: yes.
Comment: Variant confirmed as disease-causing by referring clinical team

Variant identified during reanalysis of unsolved cases by the Solve-RD project. The Solve-RD project has received funding from the European Union’s Horizon 2020 research and innovation programme under grant agreement No 779257.

Literature cited by the submitters: PubMed 39825153.

NM_015330.6(SPECC1L):c.200C>T (p.Thr67Met)

Genes: SPECC1L (sperm antigen with calponin homology and coiled-coil domains 1 like; plus strand), SPECC1L-ADORA2A (SPECC1L-ADORA2A readthrough (NMD candidate); plus strand). Cytogenetic location: 22q11.23.
Variant type: single nucleotide variant.
Coding change: c.200C>T on transcript NM_015330.6 (MANE Select); coding-DNA position 200, C replaced by T.
Protein change: p.Thr67Met; replaces threonine 67 with methionine.
Molecular consequence: missense variant. On other transcripts: non-coding transcript variant (1).
Genome position (GRCh38, 1-based): chr22:24,313,359, C>T. VCF-style: chr22-24313359-C-T. GRCh37 (hg19) VCF-style: chr22-24709327-C-T.
Other names: c.200C>T, p.Thr67Met (NM_001145468.4, NM_001254732.3); short protein forms T67M.
Identifiers: ClinVar variation 3256759 (VCV003256759.1).